The following is an entry in ClinVar:

NM_024747.6(HPS6):c.404G>C (p.Arg135Pro)

Gene: HPS6 (HPS6 biogenesis of lysosomal organelles complex 2 subunit 3; plus strand). Cytogenetic location: 10q24.32.
Variant type: single nucleotide variant.
Coding change: c.404G>C on transcript NM_024747.6 (MANE Select); coding-DNA position 404, G replaced by C.
Protein change: p.Arg135Pro; replaces arginine 135 with proline.
Molecular consequence: missense variant.
Genome position (GRCh38, 1-based): chr10:102,065,878, G>C. VCF-style: chr10-102065878-G-C. GRCh37 (hg19) VCF-style: chr10-103825635-G-C.
Other names: short protein forms R135P.
Identifiers: ClinVar variation 1434511 (VCV001434511.5), dbSNP rs1242137050, ClinGen allele CA377856938.
Genomic context (GRCh38, chr10:102,065,878, plus strand): 5'-TGCAGAGCACCGAGCTGTGTCCGGGCGGGGGAGCCCGCGTTGTGGCAGTGGCGGCGCTCC[G>C]AGGCCGCCTGGTGTGGTGCGAGGAGCGGCAGGCCCGGGCCGAGGGCCCGTCAGGGTCGCC-3'
Protein context (NP_079023.2, residues 125-145): GARVVAVAAL[Arg135Pro]GRLVWCEERQ

ClinVar aggregate classification (germline): Uncertain significance (1 of 4 stars; one submission).

Allele frequency attached by ClinVar (database versions not stated): gnomAD exomes 0.00001.

Submission:

Labcorp Genetics (formerly Invitae), Labcorp
Classification: Uncertain significance. Last evaluated: 2021-09-01. Review status: criteria provided, single submitter. Criteria: Invitae Variant Classification Sherloc (09022015). Collection method: clinical testing. Allele origin: germline.
Comment: This sequence change replaces arginine with proline at codon 135 of the HPS6 protein (p.Arg135Pro). The arginine residue is moderately conserved and there is a moderate physicochemical difference between arginine and proline. The frequency data for this variant in the population databases is considered unreliable, as metrics indicate insufficient coverage at this position in the ExAC database. This variant has not been reported in the literature in individuals affected with HPS6-related conditions. Algorithms developed to predict the effect of missense changes on protein structure and function are either unavailable or do not agree on the potential impact of this missense change (SIFT: "Tolerated"; PolyPhen-2: "Possibly Damaging"; Align-GVGD: "Class C0"). In summary, the available evidence is currently insufficient to determine the role of this variant in disease. Therefore, it has been classified as a Variant of Uncertain Significance.